The following is an entry in ClinVar:

NM_138711.6(PPARG):c.1181-6C>A

Gene: PPARG (peroxisome proliferator activated receptor gamma; plus strand). Cytogenetic location: 3p25.2.
Variant type: single nucleotide variant.
Coding change: c.1181-6C>A on transcript NM_138711.6 (MANE Select); 6 bases into the intron before coding-DNA position 1181, C replaced by A.
Molecular consequence: intron variant.
Genome position (GRCh38, 1-based): chr3:12,433,892, C>A. VCF-style: chr3-12433892-C-A. GRCh37 (hg19) VCF-style: chr3-12475391-C-A.
Other names: c.1181-6C>A (NM_001354666.3, NM_138712.5, NM_005037.7 and 3 more transcripts); c.730-6C>A (NM_001374261.3, NM_001374262.3, NM_001330615.4); c.554-6C>A (NM_001354669.2); c.654-6C>A (NM_001374266.1); c.1271-6C>A (NM_015869.5); c.820-6C>A (NM_001374265.1).
Identifiers: ClinVar variation 3043338 (VCV003043338.3), dbSNP rs373794365, ClinGen allele CA69571929.

ClinVar aggregate classification (germline): Likely benign. Review status: criteria provided, single submitter (1 of 4 stars). 2 submissions from 2 submitters: Likely benign (1). 1 of the submissions does not count toward it. Last evaluated 2025-06-29.

Conditions:
PPARG-related disorder. Also called: PPARG-related disorders; PPARG-related condition.

Allele frequency attached by ClinVar (database versions not stated): ESP Exome Variant Server 0.00008; 1000 Genomes Project 30x 0.00016; 1000 Genomes Project 0.00020.
gnomAD v4.1: 8 of 1,614,006 alleles (0.0005%); highest among the groups gnomAD compares: African/African-American, 0.011%; no homozygotes.

Submissions (2):

Labcorp Genetics (formerly Invitae), Labcorp
Classification: Likely benign. Last evaluated: 2025-06-29. Review status: criteria provided, single submitter. Criteria: Invitae Variant Classification Sherloc (09022015). Collection method: clinical testing. Allele origin: germline.

PreventionGenetics, part of Exact Sciences
Classification: Likely benign for PPARG-related condition. Last evaluated: 2023-05-23. Review status: no assertion criteria provided. Collection method: clinical testing. Allele origin: germline. Not counted in ClinVar's aggregate classification.
Comment: This variant is classified as likely benign based on ACMG/AMP sequence variant interpretation guidelines (Richards et al. 2015 PMID: 25741868, with internal and published modifications).